The following is an entry in ClinVar:

ClinVar aggregate classification (germline): Uncertain significance (1 of 4 stars; one submission).

Conditions:
ADCY3-related disorder. Also called: ADCY3-related condition.

Allele frequency attached by ClinVar (database versions not stated): TOPMed below 0.00001; ExAC 0.00001; gnomAD 0.00001; gnomAD exomes 0.00001; ESP Exome Variant Server 0.00008.
gnomAD v4.1: 5 of 1,613,992 alleles (0.00031%); highest among the groups gnomAD compares: Admixed American, 0.0017%; no homozygotes.

Submission:

PreventionGenetics, part of Exact Sciences
Classification: Uncertain significance for ADCY3-related condition. Last evaluated: 2023-03-03. Review status: criteria provided, single submitter. Criteria: ACMG Guidelines, 2015. Collection method: clinical testing. Allele origin: germline.
Comment: The ADCY3 c.1383G>A variant is predicted to result in the amino acid substitution p.Met461Ile. To our knowledge, this variant has not been reported in the literature. This variant is reported in 0.00088% of alleles in individuals of European (Non-Finnish) descent in gnomAD. At this time, the clinical significance of this variant is uncertain due to the absence of conclusive functional and genetic evidence.

NM_004036.5(ADCY3):c.1383G>A (p.Met461Ile)

Gene: ADCY3 (adenylate cyclase 3; minus strand). Cytogenetic location: 2p23.3.
Variant type: single nucleotide variant.
Coding change: c.1383G>A on transcript NM_004036.5 (MANE Select); coding-DNA position 1383, G replaced by A.
Protein change: p.Met461Ile; replaces methionine 461 with isoleucine.
Molecular consequence: missense variant.
Genome position (GRCh38, 1-based): chr2:24,838,595, C>T on the plus strand (G>A on the coding strand, the complement: ADCY3 is on the minus strand). VCF-style: chr2-24838595-C-T. GRCh37 (hg19) VCF-style: chr2-25061464-C-T.
Other names: c.1383G>A, p.Met461Ile (NM_001320613.2, NM_001377129.1, NM_001377130.1 and 1 more transcripts); c.1449G>A, p.Met483Ile (NM_001377128.1); c.660G>A, p.Met220Ile (NM_001377131.1); short protein forms M220I, M461I, M483I.
Identifiers: ClinVar variation 2634911 (VCV002634911.1), dbSNP rs370381628, ClinGen allele CA1554137.